The following is an entry in ClinVar:

ClinVar aggregate classification (germline): Uncertain significance (1 of 4 stars; one submission).

Submission:

GeneDx
Classification: Uncertain significance. Last evaluated: 2024-10-14. Review status: criteria provided, single submitter. Criteria: GeneDx Variant Classification Process June 2021. Collection method: clinical testing. Allele origin: germline. Affected: yes.
Comment: Not observed at significant frequency in large population cohorts (gnomAD); In silico analysis supports that this missense variant has a deleterious effect on protein structure/function; Has not been previously published as pathogenic or benign to our knowledge

NM_006035.4(CDC42BPB):c.2849C>A (p.Ser950Tyr)

Gene: CDC42BPB (CDC42 binding protein kinase beta; minus strand). Cytogenetic location: 14q32.32.
Variant type: single nucleotide variant.
Coding change: c.2849C>A on transcript NM_006035.4 (MANE Select); coding-DNA position 2849, C replaced by A.
Protein change: p.Ser950Tyr; replaces serine 950 with tyrosine.
Molecular consequence: missense variant.
Genome position (GRCh38, 1-based): chr14:102,959,683, G>T on the plus strand (C>A on the coding strand, the complement: CDC42BPB is on the minus strand). VCF-style: chr14-102959683-G-T. GRCh37 (hg19) VCF-style: chr14-103426020-G-T.
Other names: c.2849C>A, p.Ser950Tyr (NM_001411054.1); short protein forms S950Y.
Identifiers: ClinVar variation 3777583 (VCV003777583.1).